The following is an entry in ClinVar:

ClinVar aggregate classification (germline): Uncertain significance (1 of 4 stars; one submission).

Submission:

Labcorp Genetics (formerly Invitae), Labcorp
Classification: Uncertain significance. Last evaluated: 2024-08-06. Review status: criteria provided, single submitter. Criteria: Invitae Variant Classification Sherloc (09022015). Collection method: clinical testing. Allele origin: germline.
Comment: This sequence change creates a premature translational stop signal (p.Tyr48*) in the RNF31 gene. It is expected to result in an absent or disrupted protein product. However, the current clinical and genetic evidence is not sufficient to establish whether loss-of-function variants in RNF31 cause disease. This variant is not present in population databases (gnomAD no frequency). This variant has not been reported in the literature in individuals affected with RNF31-related conditions. In summary, the available evidence is currently insufficient to determine the role of this variant in disease. Therefore, it has been classified as a Variant of Uncertain Significance.

NM_017999.5(RNF31):c.143dup (p.Tyr48Ter)

Gene: RNF31 (ring finger protein 31; plus strand). Cytogenetic location: 14q12.
Variant type: Duplication.
Coding change: c.143dup on transcript NM_017999.5 (MANE Select); coding-DNA position 143, one base duplicated (A; older notation c.143dupA).
Protein change: p.Tyr48Ter; replaces tyrosine 48 with a stop codon.
Molecular consequence: nonsense. On other transcripts: intron variant (1).
Genome position (GRCh38, 1-based): chr14:24,147,841, A duplicated. VCF-style (leftmost placement, unchanged base first): chr14-24147840-T-TA. GRCh37 (hg19) VCF-style: chr14-24617049-T-TA.
Other names: c.-325-135dup (NM_001310332.2); short protein forms Y48*.
Identifiers: ClinVar variation 3661553 (VCV003661553.2).
Genomic context (GRCh38, chr14:24,147,840, plus strand): 5'-GCGTTTTCCCTGGAGCAGCTCCGGCCGCTACTAGCCAGCTCTCTGCCGCTAGCCGCCCGC[T>TA]ACCTGCAGCTGGACGCCGCACGCCTTGTCCGCTGCAACGCTCATGGGGAGGTGAGGCCCG-3'